The following is an entry in ClinVar:

ClinVar aggregate classification (germline): Uncertain significance (1 of 4 stars; one submission).

Allele frequency attached by ClinVar (database versions not stated): ExAC 0.00001.

Submission:

Labcorp Genetics (formerly Invitae), Labcorp
Classification: Uncertain significance. Last evaluated: 2021-12-21. Review status: criteria provided, single submitter. Criteria: Invitae Variant Classification Sherloc (09022015). Collection method: clinical testing. Allele origin: germline.
Comment: Algorithms developed to predict the effect of missense changes on protein structure and function (SIFT, PolyPhen-2, Align-GVGD) all suggest that this variant is likely to be tolerated. In summary, the available evidence is currently insufficient to determine the role of this variant in disease. Therefore, it has been classified as a Variant of Uncertain Significance. This variant has not been reported in the literature in individuals affected with IMPG2-related conditions. This variant is present in population databases (rs753164460, gnomAD 0.007%). This sequence change replaces glutamic acid, which is acidic and polar, with valine, which is neutral and non-polar, at codon 618 of the IMPG2 protein (p.Glu618Val).

NM_016247.4(IMPG2):c.1853A>T (p.Glu618Val)

Gene: IMPG2 (interphotoreceptor matrix proteoglycan 2; minus strand). Cytogenetic location: 3q12.3.
Variant type: single nucleotide variant.
Coding change: c.1853A>T on transcript NM_016247.4 (MANE Select); coding-DNA position 1853, A replaced by T.
Protein change: p.Glu618Val; replaces glutamic acid 618 with valine.
Molecular consequence: missense variant.
Genome position (GRCh38, 1-based): chr3:101,244,478, T>A on the plus strand (A>T on the coding strand, the complement: IMPG2 is on the minus strand). VCF-style: chr3-101244478-T-A. GRCh37 (hg19) VCF-style: chr3-100963322-T-A.
Other names: short protein forms E618V.
Identifiers: ClinVar variation 2052181 (VCV002052181.4), dbSNP rs753164460, ClinGen allele CA2519083.
Genomic context (GRCh38, chr3:101,244,478, plus strand): 5'-GAATCATCATCTTCAAGCCACGGCTTGGACAGTGGTTCAGCGCTCTTCTCTGATGAAGTC[T>A]CACTCCATGGCCAAGTAATCAGATCTACCTTTTGCCCAGACCCTGAACCTAAACCACCGT-3'
Protein context (NP_057331.2, residues 608-628): KVDLITWPWS[Glu618Val]TSSEKSAEPL